The following is an entry in ClinVar:

NM_006648.4(WNK2):c.4435G>T (p.Ala1479Ser)

Gene: WNK2 (WNK lysine deficient protein kinase 2; plus strand). Cytogenetic location: 9q22.31.
Variant type: single nucleotide variant.
Coding change: c.4435G>T on transcript NM_006648.4 (MANE Select); coding-DNA position 4435, G replaced by T.
Protein change: p.Ala1479Ser; replaces alanine 1479 with serine.
Molecular consequence: missense variant.
Genome position (GRCh38, 1-based): chr9:93,289,189, G>T. VCF-style: chr9-93289189-G-T. GRCh37 (hg19) VCF-style: chr9-96051471-G-T.
Other names: c.4546G>T, p.Ala1516Ser (NM_001282394.3); short protein forms A1479S, A1516S.
Identifiers: ClinVar variation 4866654 (VCV004866654.1).

ClinVar aggregate classification (germline): Uncertain significance (1 of 4 stars; one submission).

gnomAD v4.1: 7 of 1,601,704 alleles (0.00044%); highest among the groups gnomAD compares: Non-Finnish European, 0.0006%; no homozygotes.

Submission:

Ambry Genetics
Classification: Uncertain significance. Last evaluated: 2026-05-14. Review status: criteria provided, single submitter. Criteria: Ambry Variant Classification Scheme 2023. Collection method: clinical testing. Allele origin: germline.
Comment: The p.A1479S variant (also known as c.4435G>T), located in coding exon 19 of the WNK2 gene, results from a G to T substitution at nucleotide position 4435. The alanine at codon 1479 is replaced by serine, an amino acid with similar properties. This amino acid position is conserved. In addition, this alteration is predicted to be tolerated by in silico analysis. Based on the available evidence, the clinical significance of this variant remains unclear.